The following is an entry in ClinVar:

NM_032444.4(SLX4):c.2990C>T (p.Pro997Leu)

Gene: SLX4 (SLX4 structure-specific endonuclease subunit; minus strand). Cytogenetic location: 16p13.3.
Variant type: single nucleotide variant.
Coding change: c.2990C>T on transcript NM_032444.4 (MANE Select); coding-DNA position 2990, C replaced by T.
Protein change: p.Pro997Leu; replaces proline 997 with leucine.
Molecular consequence: missense variant.
Genome position (GRCh38, 1-based): chr16:3,590,648, G>A on the plus strand (C>T on the coding strand, the complement: SLX4 is on the minus strand). VCF-style: chr16-3590648-G-A. GRCh37 (hg19) VCF-style: chr16-3640649-G-A.
Other names: short protein forms P997L.
Identifiers: ClinVar variation 948980 (VCV000948980.8), dbSNP rs774243118, ClinGen allele CA7866025.
Genomic context (GRCh38, chr16:3,590,648, plus strand): 5'-TCCAGCCCCCTTTCCCTGACAGCGCCACTTTGTTCCTCGGGCTCACTTGTTATTTGGGAC[G>A]GCTCTGAGATCTCTCCCTGAGTTGATGAGAAGAGCTGTTCGTAATCCCCGGCATCATCTG-3'
Protein context (NP_115820.2, residues 987-1007): FSSTQGEISE[Pro997Leu]SQITSEPEEQ

ClinVar aggregate classification (germline): Uncertain significance. Review status: criteria provided, multiple submitters, no conflicts (2 of 4 stars). 2 submissions from 2 submitters: Uncertain significance (2). Last evaluated 2026-01-14.

Conditions:
Fanconi anemia complementation group P. Also called: SLX4-Related Fanconi Anemia. Identifiers: Orphanet 84, MedGen C3469542, MONDO:0013499, OMIM 613951.
Fanconi anemia (FA). Also called: Fanconi's anemia. Identifiers: Orphanet 84, MedGen C0015625, MeSH D005199, MONDO:0019391.

Allele frequency attached by ClinVar (database versions not stated): gnomAD exomes 0.00002 and 0.00004; ExAC 0.00003; gnomAD 0.00003 and 0.00004; TOPMed 0.00003.
gnomAD v4.1: 38 of 1,614,152 alleles (0.0024%); highest among the groups gnomAD compares: East Asian, 0.074%; no homozygotes.

Submissions (2):

Labcorp Genetics (formerly Invitae), Labcorp
Classification: Uncertain significance for Fanconi anemia. Last evaluated: 2026-01-14. Review status: criteria provided, single submitter. Criteria: Invitae Variant Classification Sherloc (09022015). Collection method: clinical testing. Allele origin: germline.
Comment: This sequence change replaces proline, which is neutral and non-polar, with leucine, which is neutral and non-polar, at codon 997 of the SLX4 protein (p.Pro997Leu). This variant is present in population databases (rs774243118, gnomAD 0.04%). This variant has not been reported in the literature in individuals affected with SLX4-related conditions. ClinVar contains an entry for this variant (Variation ID: 948980). An algorithm developed to predict the effect of missense changes on protein structure and function outputs the following: PolyPhen-2: "Benign". The leucine amino acid residue is found in multiple mammalian species, which suggests that this missense change does not adversely affect protein function. In summary, the available evidence is currently insufficient to determine the role of this variant in disease. Therefore, it has been classified as a Variant of Uncertain Significance.

Fulgent Genetics
Classification: Uncertain significance for Fanconi anemia complementation group P. Last evaluated: 2024-05-22. Review status: criteria provided, single submitter. Criteria: ACMG Guidelines, 2015. Collection method: clinical testing. Allele origin: germline.